The following is an entry in ClinVar:

NM_000535.7(PMS2):c.2488C>T (p.Leu830=)

Gene: PMS2 (PMS1 homolog 2, mismatch repair system component; minus strand). Cytogenetic location: 7p22.1.
Variant type: single nucleotide variant.
Coding change: c.2488C>T on transcript NM_000535.7 (MANE Select); coding-DNA position 2488, C replaced by T.
Protein change: p.Leu830=; no amino-acid change (leucine 830 retained).
Molecular consequence: synonymous variant. On other transcripts: non-coding transcript variant (1).
Genome position (GRCh38, 1-based): chr7:5,973,500, G>A on the plus strand (C>T on the coding strand, the complement: PMS2 is on the minus strand). VCF-style: chr7-5973500-G-A. GRCh37 (hg19) VCF-style: chr7-6013131-G-A.
Other names: c.2083C>T, p.Leu695= (NM_001322003.2, NM_001322004.2, NM_001322005.2); c.2332C>T, p.Leu778= (NM_001322006.2); c.2170C>T, p.Leu724= (NM_001322007.2, NM_001322008.2); c.2116C>T, p.Leu706= (NM_001322009.2); c.1927C>T, p.Leu643= (NM_001322010.2); c.1555C>T, p.Leu519= (NM_001322011.2, NM_001322012.2); c.1915C>T, p.Leu639= (NM_001322013.2); c.2521C>T, p.Leu841= (NM_001322014.2); and 1 more.
Identifiers: ClinVar variation 1115542 (VCV001115542.12), dbSNP rs2128658537, ClinGen allele CA453642123.

ClinVar aggregate classification (germline): Benign/Likely benign. Review status: criteria provided, multiple submitters, no conflicts (2 of 4 stars). 3 submissions from 3 submitters: Benign (1); Likely benign (2). Last evaluated 2025-12-08.

Conditions:
Lynch syndrome 4 (LYNCH4). Also called: Colorectal cancer, hereditary nonpolyposis, type 4; Hereditary non-polyposis colorectal cancer, type 4. Identifiers: Orphanet 144, MedGen C1838333, MONDO:0013699, OMIM 614337. Disease mechanism: loss of function.
Hereditary cancer-predisposing syndrome. Also called: Hereditary neoplastic syndrome; Hereditary Cancer Syndrome; Neoplastic Syndromes, Hereditary; Tumor predisposition. Identifiers: Orphanet 140162, MedGen C0027672, MeSH D009386, MONDO:0015356.
Hereditary nonpolyposis colorectal neoplasms. Identifiers: MedGen C0009405, MeSH D003123.

Submissions (3):

Labcorp Genetics (formerly Invitae), Labcorp
Classification: Likely benign for Hereditary nonpolyposis colorectal neoplasms. Last evaluated: 2025-12-08. Review status: criteria provided, single submitter. Criteria: Invitae Variant Classification Sherloc (09022015). Collection method: clinical testing. Allele origin: germline.

Myriad Genetics, Inc.
Classification: Benign for Lynch syndrome 4. Last evaluated: 2025-02-04. Review status: criteria provided, single submitter. Criteria: Myriad Autosomal Dominant, Autosomal Recessive and X-Linked Classification Criteria (2023). Collection method: clinical testing. Allele origin: unknown.
Comment: This variant is considered benign. This variant is a silent/synonymous amino acid change and it is not expected to impact splicing.

Ambry Genetics
Classification: Likely benign for Hereditary cancer-predisposing syndrome. Last evaluated: 2022-08-22. Review status: criteria provided, single submitter. Criteria: Ambry Variant Classification Scheme 2023. Collection method: clinical testing. Allele origin: germline.